The following is an entry in ClinVar:

ClinVar aggregate classification (germline): Likely pathogenic. Review status: criteria provided, multiple submitters, no conflicts (2 of 4 stars). 2 submissions from 2 submitters: Likely pathogenic (2). Last evaluated 2024-09-26.

Conditions:
Retinitis pigmentosa 39 (RP39). Identifiers: Orphanet 791, MedGen C3151138, MONDO:0013436, OMIM 613809.
Usher syndrome type 2A. Also called: RETINAL DISEASE IN USHER SYNDROME TYPE IIA, MODIFIER OF; USHER SYNDROME, TYPE IIA. Identifiers: Orphanet 231178, Orphanet 886, MedGen C1848634, MONDO:0010169, OMIM 276901.

Submissions (2):

Natera, Inc.
Classification: Likely pathogenic for Usher syndrome type 2A. Last evaluated: 2024-09-26. Review status: criteria provided, single submitter. Criteria: Natera Variant Classification Schema (03/2026). Collection method: clinical testing. Allele origin: germline.
Comment: The c.3891dup variant in USH2A is a frameshift variant predicted to shift the reading frame beginning at codon 1298 and leads to a stop codon 17 codons downstream. This variant is expected to result in nonsense mediated decay, truncation, or a dysfunctional protein product. This variant is rare in the general population with a frequency below the threshold expected for the associated phenotype(s). Given the available evidence, this variant is classified as Likely Pathogenic.

Baylor Genetics
Classification: Likely pathogenic for Retinitis pigmentosa 39. Last evaluated: 2023-10-11. Review status: criteria provided, single submitter. Criteria: ACMG Guidelines, 2015. Collection method: clinical testing. Allele origin: unknown.

NM_206933.4(USH2A):c.3891dup (p.Gln1298fs)

Genes: USH2A (usherin; minus strand), USH2A-AS1 (USH2A antisense RNA 1; plus strand). Cytogenetic location: 1q41.
Variant type: Duplication.
Coding change: c.3891dup on transcript NM_206933.4 (MANE Select); coding-DNA position 3891, one base duplicated (T; older notation c.3891dupT).
Protein change: p.Gln1298fs; shifts the reading frame from glutamine 1298.
Molecular consequence: frameshift variant.
Genome position (GRCh38, 1-based): chr1:216,198,505, A duplicated on the plus strand (T on the coding strand, the reverse complement: USH2A is on the minus strand); the first of 5 consecutive A bases (chr1:216,198,505-216,198,509); duplicating any one gives the same sequence. VCF-style (leftmost placement, unchanged base first): chr1-216198504-G-GA. GRCh37 (hg19) VCF-style: chr1-216371846-G-GA.
Other names: c.3891dup, p.Gln1298fs (NM_007123.6); c.3891dup (NM_206933.2); short protein forms Q1298fs.
Identifiers: ClinVar variation 2679447 (VCV002679447.2), dbSNP rs1553313551, ClinGen allele CA2650511812.
Genomic context (GRCh38, chr1:216,198,504, plus strand): 5'-TTAATGCATTTTCATTGGCCGATTCTACAAATGAATGAGGACTGAGCCAACCACTGCTCT[G>GA]AAAAACTCGACTTTCCTCAGATGTGGTTTCTTTAGTAGATCTCAGTCTTCTCATGTATAG-3'